The following is an entry in ClinVar:

ClinVar aggregate classification (germline): Uncertain significance (0 of 4 stars; one submission).

Conditions:
GNAS-related disorder. Identifiers: MedGen CN380105.

gnomAD v4.1: 1 of 1,613,336 alleles (0.000062%); highest among the groups gnomAD compares: African/African-American, 0.0013%; no homozygotes.

Submission:

PreventionGenetics, part of Exact Sciences
Classification: Uncertain significance for GNAS-related condition. Last evaluated: 2024-05-14. Review status: no assertion criteria provided. Collection method: clinical testing. Allele origin: germline.
Comment: The GNAS c.264C>G variant is predicted to result in the amino acid substitution p.His88Gln. To our knowledge, this variant has not been reported in the literature or in a large population database, indicating this variant is rare. At this time, the clinical significance of this variant is uncertain due to the absence of conclusive functional and genetic evidence.

NM_016592.5(GNAS):c.264C>G (p.His88Gln)

Genes: GNAS (GNAS complex locus; plus strand), GNAS-AS1 (GNAS antisense RNA 1; minus strand). Cytogenetic location: 20q13.32.
Variant type: single nucleotide variant.
Coding change: c.264C>G on transcript NM_016592.5 (MANE Plus Clinical); coding-DNA position 264, C replaced by G.
Protein change: p.His88Gln; replaces histidine 88 with glutamine.
Molecular consequence: missense variant. On other transcripts: 5 prime UTR variant (1).
Genome position (GRCh38, 1-based): chr20:58,840,370, C>G. VCF-style: chr20-58840370-C-G. GRCh37 (hg19) VCF-style: chr20-57415425-C-G.
Other names: c.-474C>G (NM_001410912.1); short protein forms H88Q.
Identifiers: ClinVar variation 3352177 (VCV003352177.1).